The following is an entry in ClinVar:

NM_000297.4(PKD2):c.2183G>A (p.Ser728Asn)

Gene: PKD2 (polycystin 2, transient receptor potential cation channel; plus strand). Cytogenetic location: 4q22.1.
Variant type: single nucleotide variant.
Coding change: c.2183G>A on transcript NM_000297.4 (MANE Select); coding-DNA position 2183, G replaced by A.
Protein change: p.Ser728Asn; replaces serine 728 with asparagine.
Molecular consequence: missense variant. On other transcripts: non-coding transcript variant (1).
Genome position (GRCh38, 1-based): chr4:88,065,438, G>A. VCF-style: chr4-88065438-G-A. GRCh37 (hg19) VCF-style: chr4-88986590-G-A.
Other names: short protein forms S728N.
Identifiers: ClinVar variation 3710192 (VCV003710192.2).
Genomic context (GRCh38, chr4:88,065,438, plus strand): 5'-ACCATAAAGCTTTGGTCAAACTAAAACTGAAAAAAAATACCGTGGATGACATTTCAGAGA[G>A]TCTGCGGCAAGGAGGAGGCAAGTTAAACTTTGACGAACTTCGACAAGATCTCAAAGGGTG-3'
Protein context (NP_000288.1, residues 718-738): KKNTVDDISE[Ser728Asn]LRQGGGKLNF

ClinVar aggregate classification (germline): Uncertain significance (1 of 4 stars; one submission).

Conditions:
Autosomal dominant polycystic kidney disease. Identifiers: Orphanet 730, MedGen C0085413, MONDO:0004691.

Submission:

Labcorp Genetics (formerly Invitae), Labcorp
Classification: Uncertain significance for Autosomal dominant polycystic kidney disease. Last evaluated: 2024-10-30. Review status: criteria provided, single submitter. Criteria: Invitae Variant Classification Sherloc (09022015). Collection method: clinical testing. Allele origin: germline.
Comment: This sequence change replaces serine, which is neutral and polar, with asparagine, which is neutral and polar, at codon 728 of the PKD2 protein (p.Ser728Asn). This variant is not present in population databases (gnomAD no frequency). This variant has not been reported in the literature in individuals affected with PKD2-related conditions. Invitae Evidence Modeling of protein sequence and biophysical properties (such as structural, functional, and spatial information, amino acid conservation, physicochemical variation, residue mobility, and thermodynamic stability) indicates that this missense variant is not expected to disrupt PKD2 protein function with a negative predictive value of 80%. In summary, the available evidence is currently insufficient to determine the role of this variant in disease. Therefore, it has been classified as a Variant of Uncertain Significance.